The following is an entry in ClinVar:

NM_005097.4(LGI1):c.837A>G (p.Thr279=)

Gene: LGI1 (leucine rich glioma inactivated 1; plus strand). Cytogenetic location: 10q23.33.
Variant type: single nucleotide variant.
Coding change: c.837A>G on transcript NM_005097.4 (MANE Select); coding-DNA position 837, A replaced by G.
Protein change: p.Thr279=; no amino-acid change (threonine 279 retained).
Molecular consequence: synonymous variant. On other transcripts: non-coding transcript variant (1).
Genome position (GRCh38, 1-based): chr10:93,793,349, A>G. VCF-style: chr10-93793349-A-G. GRCh37 (hg19) VCF-style: chr10-95553106-A-G.
Other names: c.837A>G, p.Thr279= (NM_001308275.2); c.693A>G, p.Thr231= (NM_001308276.2).
Identifiers: ClinVar variation 408593 (VCV000408593.12), dbSNP rs755068491, ClinGen allele CA5611187.
Genomic context (GRCh38, chr10:93,793,349, plus strand): 5'-ATGCATTTTCCTTGAATGGGACCATGTGGAAAAGACCTTCCGGAATTATGACAACATTAC[A>G]GGTATGAAAAGCCTAATGATATTTTGAGTGGTAATTTAAACTGCTTCAGCCAAGGGCAAC-3'
Protein context (NP_005088.1, residues 269-289): EKTFRNYDNI[Thr279=]GTSTVVCKPI

ClinVar aggregate classification (germline): Conflicting classifications of pathogenicity. Review status: criteria provided, conflicting classifications (1 of 4 stars). 2 submissions from 2 submitters: Uncertain significance (1); Likely benign (1). Last evaluated 2025-02-12.

Conditions:
Autosomal dominant epilepsy with auditory features. Identifiers: Orphanet 101046, MedGen C1838062, MONDO:0010898.
Inborn genetic diseases. Identifiers: MedGen C0950123, MeSH D030342.

Allele frequency attached by ClinVar (database versions not stated): gnomAD exomes below 0.00001 and 0.00001; ExAC 0.00001; TOPMed 0.00003; gnomAD 0.00004.
gnomAD v4.1: 23 of 1,613,076 alleles (0.0014%); highest among the groups gnomAD compares: Non-Finnish European, 0.002%; 1 homozygote.

Submissions (2):

Labcorp Genetics (formerly Invitae), Labcorp
Classification: Likely benign for Autosomal dominant epilepsy with auditory features. Last evaluated: 2025-02-12. Review status: criteria provided, single submitter. Criteria: Invitae Variant Classification Sherloc (09022015). Collection method: clinical testing. Allele origin: germline.

Ambry Genetics
Classification: Uncertain significance for Inborn genetic diseases. Last evaluated: 2018-09-28. Review status: criteria provided, single submitter. Criteria: Ambry Variant Classification Scheme 2023. Collection method: clinical testing. Allele origin: germline.
Comment: The c.837A>G variant (also known as p.T279T), located in coding exon 7, results from an A to G substitution at nucleotide position 837 of the LGI1 gene. This nucleotide substitution does not change the amino acid at codon 279. This nucleotide position is well conserved in available vertebrate species. Using two different splice site prediction tools, this alteration is predicted by ESEfinder to weaken the efficiency of the native splice donor site, but is not predicted to have a deleterious effect on this splice donor site by BDGP; however, direct evidence is unavailable. Since supporting evidence is limited at this time, the clinical significance of this alteration remains unclear.